The following is an entry in ClinVar:

ClinVar aggregate classification (germline): Pathogenic (1 of 4 stars; one submission).

Conditions:
Microcephaly-intellectual disability-sensorineural hearing loss-epilepsy-abnormal muscle tone syndrome (NEDHSB). Also called: NEURODEVELOPMENTAL DISORDER WITH HEARING LOSS, SEIZURES, AND BRAIN ABNORMALITIES. Identifiers: Orphanet 457351, MedGen C4225276, MONDO:0014698, OMIM 616577.

Allele frequency attached by ClinVar (database versions not stated): gnomAD exomes 0.00002.

Submission:

Labcorp Genetics (formerly Invitae), Labcorp
Classification: Pathogenic for Microcephaly-intellectual disability-sensorineural hearing loss-epilepsy-abnormal muscle tone syndrome. Last evaluated: 2025-02-24. Review status: criteria provided, single submitter. Criteria: Invitae Variant Classification Sherloc (09022015). Collection method: clinical testing. Allele origin: germline.
Comment: This sequence change creates a premature translational stop signal (p.Lys662*) in the SPATA5 gene. It is expected to result in an absent or disrupted protein product. Loss-of-function variants in SPATA5 are known to be pathogenic (PMID: 26299366). This variant is present in population databases (no rsID available, gnomAD 0.0009%). This variant has not been reported in the literature in individuals affected with SPATA5-related conditions. ClinVar contains an entry for this variant (Variation ID: 2114198). For these reasons, this variant has been classified as Pathogenic.

Literature cited by the submitters: PubMed 26299366.

NM_145207.3(AFG2A):c.1983dup (p.Lys662Ter)

Gene: AFG2A (AAA ATPase AFG2A; plus strand). Cytogenetic location: 4q28.1.
Variant type: Duplication.
Coding change: c.1983dup on transcript NM_145207.3 (MANE Select); coding-DNA position 1983, one base duplicated (T; older notation c.1983dupT).
Protein change: p.Lys662Ter; replaces lysine 662 with a stop codon.
Molecular consequence: nonsense.
Genome position (GRCh38, 1-based): chr4:123,028,299, T duplicated. VCF-style (leftmost placement, unchanged base first): chr4-123028298-C-CT. GRCh37 (hg19) VCF-style: chr4-123949453-C-CT.
Other names: c.1980dup, p.Lys661Ter (NM_001317799.2, NM_001345856.2); short protein forms K661*, K662*.
Identifiers: ClinVar variation 2114198 (VCV002114198.3), dbSNP rs1387074664, ClinGen allele CA554525508.